The following is an entry in ClinVar:

NM_001035.3(RYR2):c.9128+262G>A

Gene: RYR2 (ryanodine receptor 2; plus strand). Cytogenetic location: 1q43.
Variant type: single nucleotide variant.
Coding change: c.9128+262G>A on transcript NM_001035.3 (MANE Select); 262 bases into the intron after coding-DNA position 9128, G replaced by A.
Molecular consequence: intron variant.
Genome position (GRCh38, 1-based): chr1:237,699,287, G>A. VCF-style: chr1-237699287-G-A. GRCh37 (hg19) VCF-style: chr1-237862587-G-A.
Identifiers: ClinVar variation 683792 (VCV000683792.1), dbSNP rs4427395, ClinGen allele CA10861623.

ClinVar aggregate classification (germline): Benign (1 of 4 stars; one submission).

Allele frequency attached by ClinVar (database versions not stated): 1000 Genomes Project 30x 0.45550; 1000 Genomes Project 0.46246; TOPMed 0.51110; gnomAD 0.52857 and 0.53530.
gnomAD v4.1: 81,475 of 151,962 alleles (54%); highest among the groups gnomAD compares: Middle Eastern, 72%; 25,669 homozygotes.

Submission:

GeneDx
Classification: Benign. Last evaluated: 2018-06-18. Review status: criteria provided, single submitter. Criteria: GeneDx Variant Classification (06012015). Collection method: clinical testing. Allele origin: germline. Affected: yes.
Comment: This variant is considered likely benign or benign based on one or more of the following criteria: it is a conservative change, it occurs at a poorly conserved position in the protein, it is predicted to be benign by multiple in silico algorithms, and/or has population frequency not consistent with disease.